The following is an entry in ClinVar:

NM_001283009.2(RTEL1):c.2364A>T (p.Lys788Asn)

Genes: RTEL1 (regulator of telomere elongation helicase 1; plus strand), RTEL1-TNFRSF6B (RTEL1-TNFRSF6B readthrough (NMD candidate); plus strand). Cytogenetic location: 20q13.33.
Variant type: single nucleotide variant.
Coding change: c.2364A>T on transcript NM_001283009.2 (MANE Select); coding-DNA position 2364, A replaced by T.
Protein change: p.Lys788Asn; replaces lysine 788 with asparagine.
Molecular consequence: missense variant. On other transcripts: non-coding transcript variant (1).
Genome position (GRCh38, 1-based): chr20:63,690,392, A>T. VCF-style: chr20-63690392-A-T. GRCh37 (hg19) VCF-style: chr20-62321745-A-T.
Other names: c.1695A>T, p.Lys565Asn (NM_001283010.1); c.2364A>T, p.Lys788Asn (NM_016434.4); c.2436A>T, p.Lys812Asn (NM_032957.5); short protein forms K788N, K812N, K565N.
Identifiers: ClinVar variation 4827709 (VCV004827709.3).
Genomic context (GRCh38, chr20:63,690,392, plus strand): 5'-GCGTGGAGAAGATGCTGTCAGCGAGGCCAAGTCGCCTGGCCCCTTCTTCTCCACCAGGAA[A>T]GCTAAGAGTCTGGACCTGCATGTCCCCAGCCTGAAGCAGAGGTCCTCAGGTGCGGACGGG-3'
Protein context (NP_001269938.1, residues 778-798): KSPGPFFSTR[Lys788Asn]AKSLDLHVPS

ClinVar aggregate classification (germline): Uncertain significance. Review status: criteria provided, multiple submitters, no conflicts (2 of 4 stars). 3 submissions from 3 submitters: Uncertain significance (3). Last evaluated 2026-04-01.

Conditions:
Inborn genetic diseases. Identifiers: MedGen C0950123, MeSH D030342.

gnomAD v4.1: 1 of 1,610,344 alleles (0.000062%); highest among the groups gnomAD compares: Middle Eastern, 0.017%; no homozygotes.

Submissions (3):

GeneDx
Classification: Uncertain significance. Last evaluated: 2026-04-01. Review status: criteria provided, single submitter. Criteria: GeneDx Variant Classification Process June 2021. Collection method: clinical testing. Allele origin: germline.
Comment: Not observed at significant frequency in large population cohorts (gnomAD); In silico analysis supports that this missense variant has a deleterious effect on protein structure/function; Has not been previously published as pathogenic or benign to our knowledge

Ambry Genetics
Classification: Uncertain significance for Inborn genetic diseases. Last evaluated: 2026-03-02. Review status: criteria provided, single submitter. Criteria: Ambry Variant Classification Scheme 2023. Collection method: clinical testing. Allele origin: germline.
Comment: The p.K788N variant (also known as c.2364A>T), located in coding exon 25 of the RTEL1 gene, results from an A to T substitution at nucleotide position 2364. The lysine at codon 788 is replaced by asparagine, an amino acid with similar properties. This amino acid position is conserved. In addition, this alteration is predicted to be tolerated by in silico analysis. Based on the available evidence, the clinical significance of this variant remains unclear.

Blueprint Genetics
Classification: Uncertain significance. Last evaluated: 2021-02-17. Review status: criteria provided, single submitter. Criteria: ACMG Guidelines, 2015. Collection method: clinical testing. Allele origin: germline.